The following is an entry in ClinVar:

ClinVar aggregate classification (germline): Uncertain significance (1 of 4 stars; one submission).

gnomAD v4.1: 3 of 1,614,010 alleles (0.00019%); highest among the groups gnomAD compares: Non-Finnish European, 0.00025%; no homozygotes.

Submission:

Labcorp Genetics (formerly Invitae), Labcorp
Classification: Uncertain significance. Last evaluated: 2025-05-10. Review status: criteria provided, single submitter. Criteria: Invitae Variant Classification Sherloc (09022015). Collection method: clinical testing. Allele origin: germline.
Comment: This sequence change replaces proline, which is neutral and non-polar, with alanine, which is neutral and non-polar, at codon 192 of the FGF20 protein (p.Pro192Ala). This variant is present in population databases (rs777035608, gnomAD 0.003%). This variant has not been reported in the literature in individuals affected with FGF20-related conditions. An algorithm developed to predict the effect of missense changes on protein structure and function (PolyPhen-2) suggests that this variant is likely to be disruptive. In summary, the available evidence is currently insufficient to determine the role of this variant in disease. Therefore, it has been classified as a Variant of Uncertain Significance.

NM_019851.3(FGF20):c.574C>G (p.Pro192Ala)

Gene: FGF20 (fibroblast growth factor 20; minus strand). Cytogenetic location: 8p22.
Variant type: single nucleotide variant.
Coding change: c.574C>G on transcript NM_019851.3 (MANE Select); coding-DNA position 574, C replaced by G.
Protein change: p.Pro192Ala; replaces proline 192 with alanine.
Molecular consequence: missense variant.
Genome position (GRCh38, 1-based): chr8:16,993,134, G>C on the plus strand (C>G on the coding strand, the complement: FGF20 is on the minus strand). VCF-style: chr8-16993134-G-C. GRCh37 (hg19) VCF-style: chr8-16850643-G-C.
Other names: short protein forms P192A.
Identifiers: ClinVar variation 4751308 (VCV004751308.1).